The following is an entry in ClinVar:

ClinVar aggregate classification (germline): Uncertain significance (1 of 4 stars; one submission).

gnomAD v4.1: 1 of 1,612,358 alleles (0.000062%); highest among the groups gnomAD compares: East Asian, 0.0022%; no homozygotes.

Submission:

Labcorp Genetics (formerly Invitae), Labcorp
Classification: Uncertain significance. Last evaluated: 2024-03-03. Review status: criteria provided, single submitter. Criteria: Invitae Variant Classification Sherloc (09022015). Collection method: clinical testing. Allele origin: germline.
Comment: This sequence change replaces cysteine, which is neutral and slightly polar, with phenylalanine, which is neutral and non-polar, at codon 81 of the CAPN5 protein (p.Cys81Phe). This variant is not present in population databases (gnomAD no frequency). This variant has not been reported in the literature in individuals affected with CAPN5-related conditions. Advanced modeling of protein sequence and biophysical properties (such as structural, functional, and spatial information, amino acid conservation, physicochemical variation, residue mobility, and thermodynamic stability) performed at Invitae indicates that this missense variant is expected to disrupt CAPN5 protein function with a positive predictive value of 80%. In summary, the available evidence is currently insufficient to determine the role of this variant in disease. Therefore, it has been classified as a Variant of Uncertain Significance.

NM_004055.5(CAPN5):c.242G>T (p.Cys81Phe)

Gene: CAPN5 (calpain 5; plus strand). Cytogenetic location: 11q13.5.
Variant type: single nucleotide variant.
Coding change: c.242G>T on transcript NM_004055.5 (MANE Select); coding-DNA position 242, G replaced by T.
Protein change: p.Cys81Phe; replaces cysteine 81 with phenylalanine.
Molecular consequence: missense variant. On other transcripts: non-coding transcript variant (1), intron variant (1).
Genome position (GRCh38, 1-based): chr11:77,093,758, G>T. VCF-style: chr11-77093758-G-T. GRCh37 (hg19) VCF-style: chr11-76804804-G-T.
Other names: c.165+8707G>T (NM_001425323.1); c.362G>T, p.Cys121Phe (NM_001425321.1); c.242G>T, p.Cys81Phe (NM_001425322.1); short protein forms C121F, C81F.
Identifiers: ClinVar variation 3642979 (VCV003642979.2).